The following is an entry in ClinVar:

NM_001044385.3(TMEM237):c.778A>G (p.Asn260Asp)

Gene: TMEM237 (transmembrane protein 237; minus strand). Cytogenetic location: 2q33.1.
Variant type: single nucleotide variant.
Coding change: c.778A>G on transcript NM_001044385.3 (MANE Select); coding-DNA position 778, A replaced by G.
Protein change: p.Asn260Asp; replaces asparagine 260 with aspartic acid.
Molecular consequence: missense variant.
Genome position (GRCh38, 1-based): chr2:201,629,321, T>C on the plus strand (A>G on the coding strand, the complement: TMEM237 is on the minus strand). VCF-style: chr2-201629321-T-C. GRCh37 (hg19) VCF-style: chr2-202494044-T-C.
Other names: c.754A>G, p.Asn252Asp (NM_152388.4); c.778A>G (NM_001044385.1); short protein forms N260D, N252D.
Identifiers: ClinVar variation 707587 (VCV000707587.16), dbSNP rs151163650, ClinGen allele CA2056397.

ClinVar aggregate classification (germline): Conflicting classifications of pathogenicity. Review status: criteria provided, conflicting classifications (1 of 4 stars). 5 submissions from 5 submitters: Uncertain significance (2); Likely benign (2). 1 of the submissions does not count toward it. Last evaluated 2026-04-03.

Conditions:
Inborn genetic diseases. Identifiers: MedGen C0950123, MeSH D030342.
TMEM237-related disorder. Also called: TMEM237-related condition.
Joubert syndrome 14 (JBTS14). Identifiers: MedGen C3280766, MONDO:0013745, OMIM 614424.

Allele frequency attached by ClinVar (database versions not stated): ExAC 0.00027; gnomAD 0.00076 and 0.00077; TOPMed 0.00076; 1000 Genomes Project 0.00060; 1000 Genomes Project 30x 0.00078; gnomAD exomes 0.00019; ESP Exome Variant Server 0.00082.
gnomAD v4.1: 228 of 1,612,002 alleles (0.014%); highest among the groups gnomAD compares: African/African-American, 0.24%; no homozygotes.

Submissions (5):

GeneDx
Classification: Uncertain significance. Last evaluated: 2026-04-03. Review status: criteria provided, single submitter. Criteria: GeneDx Variant Classification Process June 2021. Collection method: clinical testing. Allele origin: germline.
Comment: In silico analysis suggests that this missense variant does not alter protein structure/function; Has not been previously published as pathogenic or benign to our knowledge

Labcorp Genetics (formerly Invitae), Labcorp
Classification: Likely benign for Joubert syndrome 14. Last evaluated: 2026-01-17. Review status: criteria provided, single submitter. Criteria: Invitae Variant Classification Sherloc (09022015). Collection method: clinical testing. Allele origin: germline.

Blueprint Genetics
Classification: Likely benign. Last evaluated: 2024-09-13. Review status: criteria provided, single submitter. Criteria: ACMG Guidelines, 2015. Collection method: clinical testing. Allele origin: germline.

Ambry Genetics
Classification: Uncertain significance for Inborn genetic diseases. Last evaluated: 2023-12-19. Review status: criteria provided, single submitter. Criteria: Ambry Variant Classification Scheme 2023. Collection method: clinical testing. Allele origin: germline.

PreventionGenetics, part of Exact Sciences
Classification: Likely benign for TMEM237-related condition. Last evaluated: 2023-11-22. Review status: no assertion criteria provided. Collection method: clinical testing. Allele origin: germline. Not counted in ClinVar's aggregate classification.
Comment: This variant is classified as likely benign based on ACMG/AMP sequence variant interpretation guidelines (Richards et al. 2015 PMID: 25741868, with internal and published modifications).